The following is an entry in ClinVar:

NM_172201.2(KCNE2):c.261C>T (p.Tyr87=)

Genes: KCNE2 (potassium voltage-gated channel subfamily E regulatory subunit 2; plus strand), LOC105372791 (uncharacterized LOC105372791; minus strand). Cytogenetic location: 21q22.11.
Variant type: single nucleotide variant.
Coding change: c.261C>T on transcript NM_172201.2 (MANE Select); coding-DNA position 261, C replaced by T.
Protein change: p.Tyr87=; no amino-acid change (tyrosine 87 retained).
Molecular consequence: synonymous variant.
Genome position (GRCh38, 1-based): chr21:34,370,739, C>T. VCF-style: chr21-34370739-C-T. GRCh37 (hg19) VCF-style: chr21-35743038-C-T.
Other names: p.Y87Y:TAC>TAT.
Identifiers: ClinVar variation 137978 (VCV000137978.11), dbSNP rs587781005, ClinGen allele CA291722.

ClinVar aggregate classification (germline): Benign/Likely benign. Review status: criteria provided, multiple submitters, no conflicts (2 of 4 stars). 3 submissions from 3 submitters: Benign (1); Likely benign (2). Last evaluated 2025-12-22.

Conditions:
Cardiovascular phenotype. Identifiers: MedGen CN230736.
Long QT syndrome 6 (LQT6). Identifiers: Orphanet 101016, Orphanet 768, MedGen C3150953, MONDO:0013370, OMIM 613693.

Allele frequency attached by ClinVar (database versions not stated): gnomAD exomes below 0.00001 and 0.00002; ExAC 0.00001; gnomAD 0.00001; TOPMed 0.00001.
gnomAD v4.1: 6 of 1,614,032 alleles (0.00037%); highest among the groups gnomAD compares: East Asian, 0.0089%; no homozygotes.

Submissions (3):

Labcorp Genetics (formerly Invitae), Labcorp
Classification: Likely benign for Long QT syndrome 6. Last evaluated: 2025-12-22. Review status: criteria provided, single submitter. Criteria: Invitae Variant Classification Sherloc (09022015). Collection method: clinical testing. Allele origin: germline.

Ambry Genetics
Classification: Likely benign for Cardiovascular phenotype. Last evaluated: 2023-03-07. Review status: criteria provided, single submitter. Criteria: Ambry Variant Classification Scheme 2023. Collection method: clinical testing. Allele origin: germline.

GeneDx
Classification: Benign. Last evaluated: 2014-01-29. Review status: criteria provided, single submitter. Criteria: GeneDx Variant Classification (06012015). Collection method: clinical testing. Allele origin: germline. Affected: yes.
Comment: This variant is considered likely benign or benign based on one or more of the following criteria: it is a conservative change, it occurs at a poorly conserved position in the protein, it is predicted to be benign by multiple in silico algorithms, and/or has population frequency not consistent with disease.